The following is an entry in ClinVar:

ClinVar aggregate classification (germline): Benign/Likely benign. Review status: criteria provided, multiple submitters, no conflicts (2 of 4 stars). 3 submissions from 3 submitters: Benign (1); Likely benign (2). Last evaluated 2025-07-10.

Conditions:
Hereditary leiomyomatosis and renal cell cancer. Also called: MULTIPLE CUTANEOUS AND UTERINE LEIOMYOMATA 1, WITH OR WITHOUT RENAL CELL CARCINOMA; LEIOMYOMA, MULTIPLE CUTANEOUS; Reed syndrome; Multiple cutaneous and uterine leiomyomatosis; Cutaneous leiomyomata with uterine leiomyomata; Leiomyoma, hereditary multiple, of skin. Identifiers: Orphanet 523, MedGen C1708350, MONDO:0007888, OMIM 150800, HP:0007437. Disease mechanism: loss of function.
Hereditary cancer-predisposing syndrome. Also called: Neoplastic Syndromes, Hereditary; Tumor predisposition; Hereditary Cancer Syndrome; Hereditary neoplastic syndrome. Identifiers: Orphanet 140162, MedGen C0027672, MeSH D009386, MONDO:0015356.

Allele frequency attached by ClinVar (database versions not stated): gnomAD exomes below 0.00001.
gnomAD v4.1: 3 of 1,614,030 alleles (0.00019%); highest among the groups gnomAD compares: Non-Finnish European, 0.00017%; no homozygotes.

Submissions (3):

Labcorp Genetics (formerly Invitae), Labcorp
Classification: Likely benign. Last evaluated: 2025-07-10. Review status: criteria provided, single submitter. Criteria: Invitae Variant Classification Sherloc (09022015). Collection method: clinical testing. Allele origin: germline.

Myriad Genetics, Inc.
Classification: Benign for Hereditary leiomyomatosis and renal cell cancer. Last evaluated: 2024-10-18. Review status: criteria provided, single submitter. Criteria: Myriad Autosomal Dominant, Autosomal Recessive and X-Linked Classification Criteria (2023). Collection method: clinical testing. Allele origin: unknown.
Comment: This variant is considered benign. This variant is a silent/synonymous amino acid change and it is not expected to impact splicing.

Ambry Genetics
Classification: Likely benign for Hereditary cancer-predisposing syndrome. Last evaluated: 2024-01-27. Review status: criteria provided, single submitter. Criteria: Ambry Variant Classification Scheme 2023. Collection method: clinical testing. Allele origin: germline.

NM_000143.4(FH):c.522T>A (p.Pro174=)

Gene: FH (fumarate hydratase; minus strand). Cytogenetic location: 1q43.
Variant type: single nucleotide variant.
Coding change: c.522T>A on transcript NM_000143.4 (MANE Select); coding-DNA position 522, T replaced by A.
Protein change: p.Pro174=; no amino-acid change (proline 174 retained).
Molecular consequence: synonymous variant.
Genome position (GRCh38, 1-based): chr1:241,512,000, A>T on the plus strand (T>A on the coding strand, the complement: FH is on the minus strand). VCF-style: chr1-241512000-A-T. GRCh37 (hg19) VCF-style: chr1-241675300-A-T.
Identifiers: ClinVar variation 3230450 (VCV003230450.3), dbSNP rs1365119112, ClinGen allele CA424076272.